The following is an entry in ClinVar:

ClinVar aggregate classification (germline): Uncertain significance (1 of 4 stars; one submission).

gnomAD v4.1: 3 of 1,584,662 alleles (0.00019%); highest among the groups gnomAD compares: Non-Finnish European, 0.00026%; no homozygotes.

Submission:

Labcorp Genetics (formerly Invitae), Labcorp
Classification: Uncertain significance. Last evaluated: 2025-07-21. Review status: criteria provided, single submitter. Criteria: Invitae Variant Classification Sherloc (09022015). Collection method: clinical testing. Allele origin: germline.
Comment: This sequence change falls in intron 16 of the MYSM1 gene. It does not directly change the encoded amino acid sequence of the MYSM1 protein. It affects a nucleotide within the consensus splice site. This variant is present in population databases (rs763075916, gnomAD 0.0009%). This variant has not been reported in the literature in individuals affected with MYSM1-related conditions. ClinVar contains an entry for this variant (Variation ID: 3617038). Variants that disrupt the consensus splice site are a relatively common cause of aberrant splicing (PMID: 17576681, 9536098). Algorithms developed to predict the effect of sequence changes on RNA splicing suggest that this variant is not likely to affect RNA splicing. In summary, the available evidence is currently insufficient to determine the role of this variant in disease. Therefore, it has been classified as a Variant of Uncertain Significance.

Literature cited by the submitters: PubMed 17576681; PubMed 9536098.

NM_001085487.3(MYSM1):c.2031+6A>G

Gene: MYSM1 (Myb like, SWIRM and MPN domains 1; minus strand). Cytogenetic location: 1p32.1.
Variant type: single nucleotide variant.
Coding change: c.2031+6A>G on transcript NM_001085487.3 (MANE Select); 6 bases into the intron after coding-DNA position 2031, A replaced by G.
Molecular consequence: intron variant.
Genome position (GRCh38, 1-based): chr1:58,667,032, T>C on the plus strand (A>G on the coding strand, the complement: MYSM1 is on the minus strand). VCF-style: chr1-58667032-T-C. GRCh37 (hg19) VCF-style: chr1-59132704-T-C.
Identifiers: ClinVar variation 3617038 (VCV003617038.2).
Genomic context (GRCh38, chr1:58,667,032, plus strand): 5'-TCTATTTAAAAGGGAGCATTGAGGGGGTGTGCAACCATTTACAGAATATAAATATACATG[T>C]AATACCTGGTATTTAGCTTGTGTGTCAATATCTCGTAAGGAAGGATTAGGATCAAAAGCA-3'